The following is an entry in ClinVar:

ClinVar aggregate classification (germline): Conflicting classifications of pathogenicity. Review status: criteria provided, conflicting classifications (1 of 4 stars). 8 submissions from 8 submitters: Uncertain significance (3); Benign (1); Likely benign (3). 1 of the submissions does not count toward it. Last evaluated 2025-12-07.

Conditions:
TMEM43-related disorder. Also called: TMEM43-related condition.
Cardiovascular phenotype. Identifiers: MedGen CN230736.
Cardiomyopathy (CMYO). Also called: Cardiomyopathies. Identifiers: Orphanet 167848, MedGen C0878544, MONDO:0004994, HP:0001638. Inheritance: Various modes of inheritance.
Arrhythmogenic right ventricular dysplasia 5. Also called: ARRHYTHMOGENIC RIGHT VENTRICULAR DYSPLASIA, FAMILIAL, 5; Arrhythmogenic Right Ventricular Dysplasia/Cardiomyopathy 5. Identifiers: MedGen C1858379, MONDO:0011459, OMIM 604400.

Allele frequency attached by ClinVar (database versions not stated): gnomAD 0.00002 and 0.00003; gnomAD exomes 0.00004 and 0.00014; TOPMed 0.00005; 1000 Genomes Project 30x 0.00016; ExAC 0.00016; 1000 Genomes Project 0.00020.
gnomAD v4.1: 62 of 1,614,170 alleles (0.0038%); highest among the groups gnomAD compares: East Asian, 0.14%; no homozygotes.

Submissions (8):

Labcorp Genetics (formerly Invitae), Labcorp
Classification: Likely benign for Arrhythmogenic right ventricular dysplasia 5. Last evaluated: 2025-12-07. Review status: criteria provided, single submitter. Criteria: Invitae Variant Classification Sherloc (09022015). Collection method: clinical testing. Allele origin: germline.

Women's Health and Genetics/Laboratory Corporation of America, LabCorp
Classification: Likely benign. Last evaluated: 2022-11-10. Review status: criteria provided, single submitter. Criteria: LabCorp Variant Classification Summary - May 2015. Collection method: clinical testing. Allele origin: germline.

Ambry Genetics
Classification: Benign for Cardiovascular phenotype. Last evaluated: 2021-07-13. Review status: criteria provided, single submitter. Criteria: Ambry Variant Classification Scheme 2023. Collection method: clinical testing. Allele origin: germline.

GeneDx
Classification: Uncertain significance. Last evaluated: 2019-08-14. Review status: criteria provided, single submitter. Criteria: GeneDx Variant Classification Process June 2021. Collection method: clinical testing. Allele origin: germline. Affected: yes.
Comment: Reported in association with sudden arrhythmogenic death syndrome (SADS) and primary electric disease (PED) (Hata et al., 2016; Proost et al., 2017); Also reported in one individual from a cohort of individuals not selected for cardiomyopathy, arrhythmia, or family history of sudden cardiac death, who underwent exome sequencing (Ng et al., 2013); In silico analysis, which includes protein predictors and evolutionary conservation, supports a deleterious effect; This variant is associated with the following publications: (PMID: 23861362, 27005929, 28341588)

Color Diagnostics, LLC DBA Color Health
Classification: Likely benign for Cardiomyopathy. Last evaluated: 2018-12-02. Review status: criteria provided, single submitter. Criteria: ACMG Guidelines, 2015. Collection method: clinical testing. Allele origin: germline.

Laboratory for Molecular Medicine, Mass General Brigham Personalized Medicine
Classification: Uncertain significance. Last evaluated: 2015-03-12. Review status: criteria provided, single submitter. Criteria: LMM Criteria. Collection method: clinical testing. Allele origin: germline. Observed: 2 variant alleles.
Comment: Variant classified as Uncertain Significance - Favor Benign. It has also been identified in 0.2% (19/8584) of East Asian chromosomes by the Exome Aggreg ation Consortium (ExAC; dbSNP rs182351748). Comp utational prediction tools and conservation analysis do not provide strong suppo rt for or against an impact to the protein. In summary, while the clinical signi ficance of the p.Val108Ala variant is uncertain, its frequency suggests that it is more likely to be benign.

Biesecker Lab/Clinical Genomics Section, National Institutes of Health
Classification: Uncertain significance. Last evaluated: 2013-06-24. Review status: criteria provided, single submitter. Criteria: Ng et al. (Circ Cardiovasc Genet. 2013). Collection method: research. Allele origin: unknown. Observed: 1 variant allele. Study: ClinSeq.
Comment: The study set was not selected for affection status in relation to any cancer. Pathogenicity categories were based on literature curation. See Pubmed ID:23861362 for details.

Medical sequencing

PreventionGenetics, part of Exact Sciences
Classification: Likely benign for TMEM43-related condition. Last evaluated: 2022-05-04. Review status: no assertion criteria provided. Collection method: clinical testing. Allele origin: germline. Not counted in ClinVar's aggregate classification.
Comment: This variant is classified as likely benign based on ACMG/AMP sequence variant interpretation guidelines (Richards et al. 2015 PMID: 25741868, with internal and published modifications).

Literature cited by the submitters: PubMed 23861362 (cited by Ambry Genetics and Laboratory for Molecular Medicine, Mass General Brigham Personalized Medicine); PubMed 27005929 (cited by Ambry Genetics); PubMed 28341588 (cited by Ambry Genetics); PubMed 30975432 (cited by Ambry Genetics).

NM_024334.3(TMEM43):c.323T>C (p.Val108Ala)

Gene: TMEM43 (transmembrane protein 43; plus strand). Cytogenetic location: 3p25.1.
Variant type: single nucleotide variant.
Coding change: c.323T>C on transcript NM_024334.3 (MANE Select); coding-DNA position 323, T replaced by C.
Protein change: p.Val108Ala; replaces valine 108 with alanine.
Molecular consequence: missense variant.
Genome position (GRCh38, 1-based): chr3:14,131,605, T>C. VCF-style: chr3-14131605-T-C. GRCh37 (hg19) VCF-style: chr3-14173105-T-C.
Other names: p.V108A:GTC>GCC; short protein forms V108A.
Identifiers: ClinVar variation 165451 (VCV000165451.22), dbSNP rs182351748, ClinGen allele CA024658.
Genomic context (GRCh38, chr3:14,131,605, plus strand): 5'-CTTTATTTTTTTGGTTTCTTTGATTCTGTTTGAAGCTTTTGTCTGATCCAAACTATGGGG[T>C]CCATCTTCCGGCTGTGAAACTGCGGAGGCACGTGGAGATGTACCAATGGGTAGAAACTGA-3'
Protein context (NP_077310.1, residues 98-118): SKLLSDPNYG[Val108Ala]HLPAVKLRRH